The following is an entry in ClinVar:

ClinVar aggregate classification (germline): Uncertain significance (1 of 4 stars; one submission).

Conditions:
Spastic paraplegia. Identifiers: MedGen C0037772, HP:0001258.

gnomAD v4.1: 5 of 1,596,540 alleles (0.00031%); highest among the groups gnomAD compares: South Asian, 0.0011%; no homozygotes.

Submission:

Labcorp Genetics (formerly Invitae), Labcorp
Classification: Uncertain significance for Spastic paraplegia. Last evaluated: 2024-06-23. Review status: criteria provided, single submitter. Criteria: Invitae Variant Classification Sherloc (09022015). Collection method: clinical testing. Allele origin: germline.
Comment: This sequence change replaces arginine, which is basic and polar, with glycine, which is neutral and non-polar, at codon 260 of the B4GALNT1 protein (p.Arg260Gly). This variant is present in population databases (no rsID available, gnomAD 0.003%). This variant has not been reported in the literature in individuals affected with B4GALNT1-related conditions. ClinVar contains an entry for this variant (Variation ID: 1944112). Advanced modeling of protein sequence and biophysical properties (such as structural, functional, and spatial information, amino acid conservation, physicochemical variation, residue mobility, and thermodynamic stability) performed at Invitae indicates that this missense variant is not expected to disrupt B4GALNT1 protein function with a negative predictive value of 80%. Algorithms developed to predict the effect of sequence changes on RNA splicing suggest that this variant may disrupt the consensus splice site. In summary, the available evidence is currently insufficient to determine the role of this variant in disease. Therefore, it has been classified as a Variant of Uncertain Significance.

NM_001478.5(B4GALNT1):c.778C>G (p.Arg260Gly)

Gene: B4GALNT1 (beta-1,4-N-acetyl-galactosaminyltransferase 1; minus strand). Cytogenetic location: 12q13.3.
Variant type: single nucleotide variant.
Coding change: c.778C>G on transcript NM_001478.5 (MANE Select); coding-DNA position 778, C replaced by G.
Protein change: p.Arg260Gly; replaces arginine 260 with glycine.
Molecular consequence: missense variant.
Genome position (GRCh38, 1-based): chr12:57,629,081, G>C on the plus strand (C>G on the coding strand, the complement: B4GALNT1 is on the minus strand). VCF-style: chr12-57629081-G-C. GRCh37 (hg19) VCF-style: chr12-58022864-G-C.
Other names: c.613C>G, p.Arg205Gly (NM_001276468.2, NM_001413978.1); c.778C>G, p.Arg260Gly (NM_001413967.1, NM_001413968.1, NM_001413969.1 and 7 more transcripts); c.-210C>G (NM_001413981.1, NM_001413982.1, NM_001413983.1 and 1 more transcripts); short protein forms R260G, R205G.
Identifiers: ClinVar variation 1944112 (VCV001944112.5), dbSNP rs1156505173, ClinGen allele CA385498308.